The following is an entry in ClinVar:

NM_001999.4(FBN2):c.5374_5376delinsTTTAAAGTG (p.Gly1792delinsPheLysVal)

Gene: FBN2 (fibrillin 2; minus strand). Cytogenetic location: 5q23.3.
Variant type: Indel.
Coding change: c.5374_5376delinsTTTAAAGTG on transcript NM_001999.4 (MANE Select); coding-DNA positions 5374 to 5376, GGA replaced by TTTAAAGTG.
Protein change: p.Gly1792delinsPheLysVal.
Molecular consequence: inframe indel.
Genome position (GRCh38, 1-based): chr5:128,307,181-128,307,183, TCC replaced by CACTTTAAA on the plus strand (GGA replaced by TTTAAAGTG on the coding strand, the reverse complement: FBN2 is on the minus strand). VCF-style: chr5-128307181-TCC-CACTTTAAA. GRCh37 (hg19) VCF-style: chr5-127642873-TCC-CACTTTAAA.
Identifiers: ClinVar variation 1706255 (VCV001706255.3), dbSNP rs2479729135, ClinGen allele CA2580072715.

ClinVar aggregate classification (germline): Uncertain significance. Review status: criteria provided, multiple submitters, no conflicts (2 of 4 stars). 2 submissions from 2 submitters: Uncertain significance (2). Last evaluated 2024-02-15.

Submissions (2):

Blueprint Genetics
Classification: Uncertain significance. Last evaluated: 2024-02-15. Review status: criteria provided, single submitter. Criteria: ACMG Guidelines, 2015. Collection method: clinical testing. Allele origin: germline.

GeneDx
Classification: Uncertain significance. Last evaluated: 2022-03-15. Review status: criteria provided, single submitter. Criteria: GeneDx Variant Classification Process June 2021. Collection method: clinical testing. Allele origin: germline. Affected: yes.
Comment: Not observed at significant frequency in large population cohorts (gnomAD); In-frame deletion of one amino acid and insertion of three amino acids in a non-repeat region; In silico analysis supports a deleterious effect on protein structure/function; Has not been previously published as pathogenic or benign to our knowledge; In-silico analysis is inconclusive as to whether the variant alters gene splicing. In the absence of RNA/functional studies, the actual effect of this sequence change is unknown.